The following is an entry in ClinVar:

ClinVar aggregate classification (germline): Likely pathogenic (1 of 4 stars; one submission).

Conditions:
Joubert syndrome. Also called: CEREBELLOPARENCHYMAL DISORDER IV; JOUBERT-BOLTSHAUSER SYNDROME; Familial aplasia of the vermis. Identifiers: Orphanet 475, MedGen C5979921, MONDO:0018772.

gnomAD v4.1: 1 of 1,531,746 alleles (0.000065%); highest among the groups gnomAD compares: Non-Finnish European, 0.000088%; no homozygotes.

Submission:

Labcorp Genetics (formerly Invitae), Labcorp
Classification: Likely pathogenic for Joubert syndrome. Last evaluated: 2025-09-24. Review status: criteria provided, single submitter. Criteria: Invitae Variant Classification Sherloc (09022015). Collection method: clinical testing. Allele origin: germline.
Comment: This sequence change affects a donor splice site in intron 3 of the AHI1 gene. It is expected to disrupt RNA splicing. Variants that disrupt the donor or acceptor splice site typically lead to a loss of protein function (PMID: 16199547), and loss-of-function variants in AHI1 are known to be pathogenic (PMID: 15322546, 16453322, 28442542, 29186038). This variant is not present in population databases (gnomAD no frequency). This variant has not been reported in the literature in individuals affected with AHI1-related conditions. Algorithms developed to predict the effect of sequence changes on RNA splicing suggest that this variant may disrupt the consensus splice site. In summary, the currently available evidence indicates that the variant is pathogenic, but additional data are needed to prove that conclusively. Therefore, this variant has been classified as Likely Pathogenic.

Literature cited by the submitters: PubMed 16199547; PubMed 15322546; PubMed 16453322; PubMed 28442542; PubMed 29186038.

NM_001134831.2(AHI1):c.10+1G>C

Gene: AHI1 (Abelson helper integration site 1; minus strand). Cytogenetic location: 6q23.3.
Variant type: single nucleotide variant.
Coding change: c.10+1G>C on transcript NM_001134831.2 (MANE Select); the canonical splice donor site of the intron after coding-DNA position 10, G replaced by C.
Molecular consequence: splice donor variant.
Genome position (GRCh38, 1-based): chr6:135,492,227, C>G on the plus strand (G>C on the coding strand, the complement: AHI1 is on the minus strand). VCF-style: chr6-135492227-C-G. GRCh37 (hg19) VCF-style: chr6-135813365-C-G.
Other names: c.10+1G>C (NM_001134830.2, NM_001350503.2, NM_017651.5 and 2 more transcripts).
Identifiers: ClinVar variation 4727775 (VCV004727775.1).